The following is an entry in ClinVar:

ClinVar aggregate classification (germline): Likely pathogenic. Review status: criteria provided, multiple submitters, no conflicts (2 of 4 stars). 2 submissions from 2 submitters: Likely pathogenic (2). Last evaluated 2022-05-30.

Conditions:
NMNAT1-related disorder. Also called: NMNAT1-related condition.
Leber congenital amaurosis 9 (LCA9). Also called: LCA 9; Amaurosis congenita of Leber, type 9; LCA9 Leber Congenital Amaurosis. Identifiers: Orphanet 65, MedGen C1837873, MONDO:0012056, OMIM 608553.

Allele frequency attached by ClinVar (database versions not stated): gnomAD exomes below 0.00001.
gnomAD v4.1: 1 of 1,557,892 alleles (0.000064%); highest among the groups gnomAD compares: Non-Finnish European, 0.000089%; no homozygotes.

Submissions (2):

Blueprint Genetics
Classification: Likely pathogenic for NMNAT1-related disorders. Last evaluated: 2022-05-30. Review status: criteria provided, single submitter. Criteria: ACMG Guidelines, 2015. Collection method: clinical testing. Allele origin: germline. Affected: yes. Observed: 1 variant allele.

Labcorp Genetics (formerly Invitae), Labcorp
Classification: Likely pathogenic for Leber congenital amaurosis 9. Last evaluated: 2021-10-13. Review status: criteria provided, single submitter. Criteria: Invitae Variant Classification Sherloc (09022015). Collection method: clinical testing. Allele origin: germline.
Comment: In summary, the currently available evidence indicates that the variant is pathogenic, but additional data are needed to prove that conclusively. Therefore, this variant has been classified as Likely Pathogenic. Algorithms developed to predict the effect of sequence changes on RNA splicing suggest that this variant may disrupt the consensus splice site. Disruption of this splice site has been observed in individual(s) with Leber congenital amaurosis (Invitae). This variant is not present in population databases (ExAC no frequency). This sequence change affects a donor splice site in intron 2 of the NMNAT1 gene. It is expected to disrupt RNA splicing. Variants that disrupt the donor or acceptor splice site typically lead to a loss of protein function (PMID: 16199547), and loss-of-function variants in NMNAT1 are known to be pathogenic (PMID: 22842229).

Literature cited by the submitters: PubMed 16199547 (cited by Labcorp Genetics (formerly Invitae), Labcorp); PubMed 22842229 (cited by Labcorp Genetics (formerly Invitae), Labcorp).

NM_022787.4(NMNAT1):c.115+1G>A

Gene: NMNAT1 (nicotinamide nucleotide adenylyltransferase 1; plus strand). Cytogenetic location: 1p36.22.
Variant type: single nucleotide variant.
Coding change: c.115+1G>A on transcript NM_022787.4 (MANE Select); the canonical splice donor site of the intron after coding-DNA position 115, G replaced by A.
Molecular consequence: splice donor variant.
Genome position (GRCh38, 1-based): chr1:9,972,189, G>A. VCF-style: chr1-9972189-G-A. GRCh37 (hg19) VCF-style: chr1-10032247-G-A.
Other names: c.115+1G>A (NM_001297778.1, NM_001297779.2).
Identifiers: ClinVar variation 1486767 (VCV001486767.7), dbSNP rs779434083, ClinGen allele CA338683699.